The following is an entry in ClinVar:

ClinVar aggregate classification (germline): Likely benign (1 of 4 stars; one submission).

Allele frequency attached by ClinVar (database versions not stated): 1000 Genomes Project 30x 0.00156; 1000 Genomes Project 0.00200; ESP Exome Variant Server 0.00292; gnomAD 0.00302; TOPMed 0.00320; ExAC 0.00385; gnomAD exomes 0.00393.
gnomAD v4.1: 6,170 of 1,611,900 alleles (0.38%); highest among the groups gnomAD compares: Middle Eastern, 0.5%; 26 homozygotes.

Submission:

CeGaT Center for Human Genetics Tuebingen
Classification: Likely benign. Last evaluated: 2026-03-01. Review status: criteria provided, single submitter. Criteria: CeGaT Center For Human Genetics Tuebingen Variant Classification Criteria Version 2. Collection method: clinical testing. Allele origin: germline. Affected: yes. Observed: 2 variant alleles.
Comment: KIAA0930: BS2

NM_001009880.2(KIAA0930):c.65-227C>T

Gene: KIAA0930 (KIAA0930; minus strand). Cytogenetic location: 22q13.31.
Variant type: single nucleotide variant.
Coding change: c.65-227C>T on transcript NM_001009880.2 (MANE Select); 227 bases into the intron before coding-DNA position 65, C replaced by T.
Molecular consequence: intron variant. On other transcripts: nonsense (1).
Genome position (GRCh38, 1-based): chr22:45,212,334, G>A on the plus strand (C>T on the coding strand, the complement: KIAA0930 is on the minus strand). VCF-style: chr22-45212334-G-A. GRCh37 (hg19) VCF-style: chr22-45608215-G-A.
Other names: c.10C>T, p.Gln4Ter (NM_015264.2); short protein forms Q4*.
Identifiers: ClinVar variation 2653282 (VCV002653282.24), dbSNP rs150665432, ClinGen allele CA10284205.